The following is an entry in ClinVar:

ClinVar aggregate classification (germline): Uncertain significance (1 of 4 stars; one submission).

Conditions:
Duane-radial ray syndrome (DRRS). Also called: ACRORENOOCULAR SYNDROME; DR SYNDROME; DUANE ANOMALY WITH RADIAL RAY ABNORMALITIES AND DEAFNESS; Duane-Radial Ray Syndrome/Okihiro Syndrome; Okihiro Syndrome; Duane-Radial Ray Syndrome (DRRS) / Okihiro Syndrome. Identifiers: Orphanet 93293, Orphanet 959, MedGen C1623209, MONDO:0011812, OMIM 607323. Disease mechanism: gain of function.

Allele frequency attached by ClinVar (database versions not stated): gnomAD exomes below 0.00001.
gnomAD v4.1: 1 of 1,614,218 alleles (0.000062%); highest among the groups gnomAD compares: South Asian, 0.0011%; no homozygotes.

Submission:

Labcorp Genetics (formerly Invitae), Labcorp
Classification: Uncertain significance for Duane-radial ray syndrome. Last evaluated: 2025-06-12. Review status: criteria provided, single submitter. Criteria: Invitae Variant Classification Sherloc (09022015). Collection method: clinical testing. Allele origin: germline.
Comment: This sequence change replaces lysine, which is basic and polar, with threonine, which is neutral and polar, at codon 360 of the SALL4 protein (p.Lys360Thr). This variant is not present in population databases (gnomAD no frequency). This variant has not been reported in the literature in individuals affected with SALL4-related conditions. ClinVar contains an entry for this variant (Variation ID: 1954183). An algorithm developed to predict the effect of missense changes on protein structure and function (PolyPhen-2) suggests that this variant is likely to be disruptive. In summary, the available evidence is currently insufficient to determine the role of this variant in disease. Therefore, it has been classified as a Variant of Uncertain Significance.

NM_020436.5(SALL4):c.1079A>C (p.Lys360Thr)

Gene: SALL4 (spalt like transcription factor 4; minus strand). Cytogenetic location: 20q13.2.
Variant type: single nucleotide variant.
Coding change: c.1079A>C on transcript NM_020436.5 (MANE Select); coding-DNA position 1079, A replaced by C.
Protein change: p.Lys360Thr; replaces lysine 360 with threonine.
Molecular consequence: missense variant.
Genome position (GRCh38, 1-based): chr20:51,791,404, T>G on the plus strand (A>C on the coding strand, the complement: SALL4 is on the minus strand). VCF-style: chr20-51791404-T-G. GRCh37 (hg19) VCF-style: chr20-50407943-T-G.
Other names: c.1079A>C, p.Lys360Thr (NM_001318031.2); short protein forms K360T.
Identifiers: ClinVar variation 1954183 (VCV001954183.5), dbSNP rs2515717197, ClinGen allele CA409014285.
Genomic context (GRCh38, chr20:51,791,404, plus strand): 5'-TAGAGGGCCGCCTCGTCTTTGGGTTTGACATCCACCGCGGAGATGTTCGGTGGCTTCCCC[T>G]TCCCTTTCTTGGATGTGTCTAGCGCCACAGTGGAGAAAGGGCTCTGGAAGAGCACCGAGC-3'
Protein context (NP_065169.1, residues 350-370): TVALDTSKKG[Lys360Thr]GKPPNISAVD